The following is an entry in ClinVar:

ClinVar aggregate classification (germline): Uncertain significance (1 of 4 stars; one submission).

Submission:

Labcorp Genetics (formerly Invitae), Labcorp
Classification: Uncertain significance. Last evaluated: 2025-08-04. Review status: criteria provided, single submitter. Criteria: Invitae Variant Classification Sherloc (09022015). Collection method: clinical testing. Allele origin: germline.
Comment: This sequence change replaces threonine, which is neutral and polar, with alanine, which is neutral and non-polar, at codon 538 of the TNFAIP3 protein (p.Thr538Ala). This variant is not present in population databases (gnomAD no frequency). This variant has not been reported in the literature in individuals affected with TNFAIP3-related conditions. Invitae Evidence Modeling of protein sequence and biophysical properties (such as structural, functional, and spatial information, amino acid conservation, physicochemical variation, residue mobility, and thermodynamic stability) indicates that this missense variant is not expected to disrupt TNFAIP3 protein function with a negative predictive value of 80%. In summary, the available evidence is currently insufficient to determine the role of this variant in disease. Therefore, it has been classified as a Variant of Uncertain Significance.

NM_001270508.2(TNFAIP3):c.1612A>G (p.Thr538Ala)

Gene: TNFAIP3 (TNF alpha induced protein 3; plus strand). Cytogenetic location: 6q23.3.
Variant type: single nucleotide variant.
Coding change: c.1612A>G on transcript NM_001270508.2 (MANE Select); coding-DNA position 1612, A replaced by G.
Protein change: p.Thr538Ala; replaces threonine 538 with alanine.
Molecular consequence: missense variant.
Genome position (GRCh38, 1-based): chr6:137,879,057, A>G. VCF-style: chr6-137879057-A-G. GRCh37 (hg19) VCF-style: chr6-138200194-A-G.
Other names: c.1612A>G, p.Thr538Ala (NM_006290.4, NM_001270507.2); short protein forms T538A.
Identifiers: ClinVar variation 4766131 (VCV004766131.1).